The following is an entry in ClinVar:

NM_015272.5(RPGRIP1L):c.2765C>T (p.Pro922Leu)

Gene: RPGRIP1L (RPGRIP1 like; minus strand). Cytogenetic location: 16q12.2.
Variant type: single nucleotide variant.
Coding change: c.2765C>T on transcript NM_015272.5 (MANE Select); coding-DNA position 2765, C replaced by T.
Protein change: p.Pro922Leu; replaces proline 922 with leucine.
Molecular consequence: missense variant.
Genome position (GRCh38, 1-based): chr16:53,641,394, G>A on the plus strand (C>T on the coding strand, the complement: RPGRIP1L is on the minus strand). VCF-style: chr16-53641394-G-A. GRCh37 (hg19) VCF-style: chr16-53675306-G-A.
Other names: c.2765C>T, p.Pro922Leu (NM_001127897.4, NM_001308334.3, NM_001330538.2); c.2765C>T (NM_015272.2); short protein forms P922L.
Identifiers: ClinVar variation 1388301 (VCV001388301.9), dbSNP rs2151059566, ClinGen allele CA395927325.
Genomic context (GRCh38, chr16:53,641,394, plus strand): 5'-TCTGGCTCTTCGCTGCGAATGAAATTTCCTAAGTCTTCAGTTGTTATTGATCCACTTGGT[G>A]GAAGGTAAGCAAATTTCCATTTCAATATAACATGGATGGTGCCAGCAGGATGCTTTTGAT-3'
Protein context (NP_056087.2, residues 912-932): VILKWKFAYL[Pro922Leu]PSGSITTEDL

ClinVar aggregate classification (germline): Uncertain significance. Review status: criteria provided, multiple submitters, no conflicts (2 of 4 stars). 2 submissions from 2 submitters: Uncertain significance (2). Last evaluated 2025-03-27.

Conditions:
Inborn genetic diseases. Identifiers: MedGen C0950123, MeSH D030342.
Joubert syndrome. Also called: CEREBELLOPARENCHYMAL DISORDER IV; JOUBERT-BOLTSHAUSER SYNDROME; Familial aplasia of the vermis. Identifiers: Orphanet 475, MedGen C5979921, MONDO:0018772.
Meckel-Gruber syndrome. Also called: DYSENCEPHALIA SPLANCHNOCYSTICA; GRUBER SYNDROME; Dysencephalia splachnocystica. Identifiers: Orphanet 564, MedGen C0265215, MONDO:0018921.

gnomAD v4.1: 1 of 1,614,012 alleles (0.000062%); highest among the groups gnomAD compares: Non-Finnish European, 0.000085%; no homozygotes.

Submissions (2):

Ambry Genetics
Classification: Uncertain significance for Inborn genetic diseases. Last evaluated: 2025-03-27. Review status: criteria provided, single submitter. Criteria: Ambry Variant Classification Scheme 2023. Collection method: clinical testing. Allele origin: germline.

Labcorp Genetics (formerly Invitae), Labcorp
Classification: Uncertain significance for Joubert syndrome; Meckel-Gruber syndrome. Last evaluated: 2023-11-27. Review status: criteria provided, single submitter. Criteria: Invitae Variant Classification Sherloc (09022015). Collection method: clinical testing. Allele origin: germline.
Comment: This sequence change replaces proline, which is neutral and non-polar, with leucine, which is neutral and non-polar, at codon 922 of the RPGRIP1L protein (p.Pro922Leu). This variant is not present in population databases (gnomAD no frequency). This variant has not been reported in the literature in individuals affected with RPGRIP1L-related conditions. ClinVar contains an entry for this variant (Variation ID: 1388301). Advanced modeling of protein sequence and biophysical properties (such as structural, functional, and spatial information, amino acid conservation, physicochemical variation, residue mobility, and thermodynamic stability) performed at Invitae indicates that this missense variant is not expected to disrupt RPGRIP1L protein function with a negative predictive value of 80%. In summary, the available evidence is currently insufficient to determine the role of this variant in disease. Therefore, it has been classified as a Variant of Uncertain Significance.